The following is an entry in ClinVar:

ClinVar aggregate classification (germline): Pathogenic (1 of 4 stars; one submission).

Conditions:
Neuronopathy, distal hereditary motor, autosomal recessive 4. Also called: NEUROPATHY, DISTAL HEREDITARY MOTOR, AUTOSOMAL RECESSIVE 4; Autosomal recessive lower motor neuron disease with childhood onset. Identifiers: Orphanet 206580, MedGen C1970211, MONDO:0012608, OMIM 611067.
Charcot-Marie-Tooth disease recessive intermediate C. Also called: CHARCOT-MARIE-TOOTH NEUROPATHY, RECESSIVE INTERMEDIATE C. Identifiers: Orphanet 369867, MedGen C3809309, MONDO:0014154, OMIM 615376.

Submission:

Labcorp Genetics (formerly Invitae), Labcorp
Classification: Pathogenic for Neuronopathy, distal hereditary motor, autosomal recessive 4; Charcot-Marie-Tooth disease recessive intermediate C. Last evaluated: 2023-11-06. Review status: criteria provided, single submitter. Criteria: Invitae Variant Classification Sherloc (09022015). Collection method: clinical testing. Allele origin: germline.
Comment: This sequence change creates a premature translational stop signal (p.Ser744Thrfs*21) in the PLEKHG5 gene. It is expected to result in an absent or disrupted protein product. Loss-of-function variants in PLEKHG5 are known to be pathogenic (PMID: 17564964, 23777631). This variant is not present in population databases (gnomAD no frequency). This variant has not been reported in the literature in individuals affected with PLEKHG5-related conditions. For these reasons, this variant has been classified as Pathogenic.

Literature cited by the submitters: PubMed 17564964; PubMed 23777631.

NM_020631.6(PLEKHG5):c.2231del (p.Ser744fs)

Gene: PLEKHG5 (pleckstrin homology and RhoGEF domain containing G5; minus strand). Cytogenetic location: 1p36.31.
Variant type: Deletion.
Coding change: c.2231del on transcript NM_020631.6 (MANE Select); coding-DNA position 2231, one base deleted (G; older notation c.2231delG).
Protein change: p.Ser744fs; shifts the reading frame from serine 744.
Molecular consequence: frameshift variant.
Genome position (GRCh38, 1-based): chr1:6,469,060, C deleted on the plus strand (G on the coding strand, the reverse complement: PLEKHG5 is on the minus strand). VCF-style (leftmost placement, unchanged base first): chr1-6469059-GC-G. GRCh37 (hg19) VCF-style: chr1-6529119-GC-G.
Other names: c.2342del, p.Ser781fs (NM_001042663.3, NM_001265592.2); c.2231del, p.Ser744fs (NM_001042664.2, NM_001042665.2, NM_001265594.3 and 1 more transcripts); c.2438del, p.Ser813fs (NM_001265593.2); short protein forms S744fs, S781fs, S813fs.
Identifiers: ClinVar variation 2953611 (VCV002953611.3), dbSNP rs2523128047, ClinGen allele CA2740090575.